The following is an entry in ClinVar:

NM_024422.6(DSC2):c.1084A>T (p.Thr362Ser)

Gene: DSC2 (desmocollin 2; minus strand). Cytogenetic location: 18q12.1.
Variant type: single nucleotide variant.
Coding change: c.1084A>T on transcript NM_024422.6 (MANE Select); coding-DNA position 1084, A replaced by T.
Protein change: p.Thr362Ser; replaces threonine 362 with serine.
Molecular consequence: missense variant.
Genome position (GRCh38, 1-based): chr18:31,082,417, T>A on the plus strand (A>T on the coding strand, the complement: DSC2 is on the minus strand). VCF-style: chr18-31082417-T-A. GRCh37 (hg19) VCF-style: chr18-28662383-T-A.
Other names: c.1084A>T, p.Thr362Ser (NM_004949.5); short protein forms T362S.
Identifiers: ClinVar variation 919856 (VCV000919856.9), dbSNP rs1428685920, ClinGen allele CA402110130.

ClinVar aggregate classification (germline): Uncertain significance. Review status: criteria provided, multiple submitters, no conflicts (2 of 4 stars). 4 submissions from 4 submitters: Uncertain significance (4). Last evaluated 2025-05-04.

Conditions:
Cardiovascular phenotype. Identifiers: MedGen CN230736.
Familial isolated arrhythmogenic right ventricular dysplasia. Identifiers: Orphanet 217656, MedGen C4274968, MONDO:0016342.
Cardiomyopathy (CMYO). Also called: Cardiomyopathies. Identifiers: Orphanet 167848, MedGen C0878544, MONDO:0004994, HP:0001638. Inheritance: Various modes of inheritance.
Arrhythmogenic right ventricular dysplasia 11. Also called: ARRHYTHMOGENIC RIGHT VENTRICULAR DYSPLASIA, FAMILIAL, 11; Arrhythmogenic Right Ventricular Dysplasia/Cardiomyopathy11; Arrhythmogenic right ventricular dysplasia 11 with mild palmoplantar keratoderma and woolly hair. Identifiers: MedGen C1864850, MONDO:0012506, OMIM 610476.

gnomAD v4.1: 1 of 1,613,138 alleles (0.000062%); highest among the groups gnomAD compares: Non-Finnish European, 0.000085%; no homozygotes.

Submissions (4):

Labcorp Genetics (formerly Invitae), Labcorp
Classification: Uncertain significance for Arrhythmogenic right ventricular dysplasia 11. Last evaluated: 2025-05-04. Review status: criteria provided, single submitter. Criteria: Invitae Variant Classification Sherloc (09022015). Collection method: clinical testing. Allele origin: germline.
Comment: This sequence change replaces threonine, which is neutral and polar, with serine, which is neutral and polar, at codon 362 of the DSC2 protein (p.Thr362Ser). This variant is present in population databases (no rsID available, gnomAD 0.0009%). This variant has not been reported in the literature in individuals affected with DSC2-related conditions. ClinVar contains an entry for this variant (Variation ID: 919856). Invitae Evidence Modeling of protein sequence and biophysical properties (such as structural, functional, and spatial information, amino acid conservation, physicochemical variation, residue mobility, and thermodynamic stability) indicates that this missense variant is not expected to disrupt DSC2 protein function with a negative predictive value of 80%. In summary, the available evidence is currently insufficient to determine the role of this variant in disease. Therefore, it has been classified as a Variant of Uncertain Significance.

All of Us Research Program, National Institutes of Health
Classification: Uncertain significance for Familial isolated arrhythmogenic right ventricular dysplasia. Last evaluated: 2024-08-06. Review status: criteria provided, single submitter. Criteria: ACMG Guidelines, 2015. Collection method: clinical testing. Allele origin: germline. Inheritance: Autosomal dominant inheritance. Observed: 1 variant allele, 1 heterozygote.
Comment: This missense variant replaces threonine with serine at codon 362 of the DSC2 protein. Computational prediction tools and conservation analyses suggest that this variant may not impact the protein function. Computational splicing tools suggest that this variant may not impact RNA splicing. To our knowledge, functional assays have not been performed for this variant nor has this variant been reported in individuals affected with cardiovascular disorders in the literature. This variant has been identified in 1/250190 chromosomes in the general population by the Genome Aggregation Database (gnomAD). Available evidence is insufficient to determine the role of this variant in disease conclusively. Therefore, this variant is classified as a Variant of Uncertain Significance.

This study involves interpretation of variants in research participants for the purpose of population health screening. Participant phenotype was not available at the time of variant classification. Additional details can be found in publication PMID: 35346344, PMCID: PMC8962531

Color Diagnostics, LLC DBA Color Health
Classification: Uncertain significance for Cardiomyopathy. Last evaluated: 2023-12-05. Review status: criteria provided, single submitter. Criteria: ACMG Guidelines, 2015. Collection method: clinical testing. Allele origin: germline.
Comment: This missense variant replaces threonine with serine at codon 362 of the DSC2 protein. Computational prediction tools and conservation analyses suggest that this variant may not impact the protein function. Computational splicing tools suggest that this variant may not impact RNA splicing. To our knowledge, functional assays have not been performed for this variant nor has this variant been reported in individuals affected with cardiovascular disorders in the literature. This variant has been identified in 1/250190 chromosomes in the general population by the Genome Aggregation Database (gnomAD). Available evidence is insufficient to determine the role of this variant in disease conclusively. Therefore, this variant is classified as a Variant of Uncertain Significance.

Ambry Genetics
Classification: Uncertain significance for Cardiovascular phenotype. Last evaluated: 2022-09-05. Review status: criteria provided, single submitter. Criteria: Ambry Variant Classification Scheme 2023. Collection method: clinical testing. Allele origin: germline.
Comment: The p.T362S variant (also known as c.1084A>T), located in coding exon 9 of the DSC2 gene, results from an A to T substitution at nucleotide position 1084. The threonine at codon 362 is replaced by serine, an amino acid with similar properties. This amino acid position is conserved. In addition, this alteration is predicted to be tolerated by in silico analysis. Since supporting evidence is limited at this time, the clinical significance of this alteration remains unclear.